The following is an entry in ClinVar:

NM_000169.3(GLA):c.691G>A (p.Asp231Asn)

Genes: GLA (galactosidase alpha; minus strand), RPL36A-HNRNPH2 (RPL36A-HNRNPH2 readthrough; plus strand). Cytogenetic location: Xq22.1.
Variant type: single nucleotide variant.
Coding change: c.691G>A on transcript NM_000169.3 (MANE Select); coding-DNA position 691, G replaced by A.
Protein change: p.Asp231Asn; replaces aspartic acid 231 with asparagine.
Molecular consequence: missense variant. On other transcripts: non-coding transcript variant (3), intron variant (2).
Genome position (GRCh38, 1-based): chrX:101,398,895, C>T on the plus strand (G>A on the coding strand, the complement: GLA is on the minus strand). VCF-style: chrX-101398895-C-T. GRCh37 (hg19) VCF-style: chrX-100653883-C-T.
Other names: c.814G>A, p.Asp272Asn (NM_001406747.1); c.691G>A, p.Asp231Asn (NM_001406748.1); c.300+3438C>T (NM_001199973.2); c.177+7073C>T (NM_001199974.2); short protein forms D231N, D272N.
Identifiers: ClinVar variation 4087470 (VCV004087470.2).

ClinVar aggregate classification (germline): Pathogenic (1 of 4 stars; one submission).

Conditions:
Fabry disease. Also called: ALPHA-GALACTOSIDASE A DEFICIENCY; ANDERSON-FABRY DISEASE; CERAMIDE TRIHEXOSIDASE DEFICIENCY; GLA DEFICIENCY; HEREDITARY DYSTOPIC LIPIDOSIS; Angiokeratoma corporis diffusum. Identifiers: Orphanet 324, MedGen C0002986, MONDO:0010526, OMIM 301500, HP:0001071. Disease mechanism: Fabry disease is due to inactivating mutations in the X-linked GLA gene resulting in deficiency of the enzyme Alpha Galactosidase-A., loss of function.

Submission:

Genomenon, Inc
Classification: Pathogenic for Fabry disease. Last evaluated: 2026-09-08. Review status: criteria provided, single submitter. Criteria: Genomenon Sequence Variant Interpretation Standards - Updated. Collection method: curation. Allele origin: germline. Affected: yes.
Comment: GLA p.Asp231Asn (c.691G>A) is a missense variant that changes the amino acid at codon 231 from Aspartic acid to Asparagine. This variant has been observed in at least one proband with clinical features consistent with Fabry disease (PMID:29543226;8863162). The variant was found to segregate with disease in at least one affected family (PMID:8863162). A de novo occurrence of this variant has been observed in at least one affected individual (PMID:8863162). At least one functional study has demonstrated a substantial alteration in protein function relative to the wild-type (PMID:32023956;23935525;27657681). This variant is located in a mutational hotspot and/or important functional domain. It is absent or not present at a significant frequency in gnomAD. In silico models predict that this variant is possibly or probably damaging. In conclusion, we classify GLA p.Asp231Asn (c.691G>A) as a pathogenic variant.

Literature cited by the submitters: PubMed 29543226; PubMed 8863162; PubMed 32023956; PubMed 23935525; PubMed 27657681.